The following is an entry in ClinVar:

NM_001374736.1(DST):c.12488G>A (p.Gly4163Asp)

Genes: DST (dystonin; minus strand), LOC129996656 (ATAC-STARR-seq lymphoblastoid active region 24702; plus strand). Cytogenetic location: 6p12.1.
Variant type: single nucleotide variant.
Coding change: c.12488G>A on transcript NM_001374736.1 (MANE Select); coding-DNA position 12488, G replaced by A.
Protein change: p.Gly4163Asp; replaces glycine 4163 with aspartic acid.
Molecular consequence: missense variant.
Genome position (GRCh38, 1-based): chr6:56,593,901, C>T on the plus strand (G>A on the coding strand, the complement: DST is on the minus strand). VCF-style: chr6-56593901-C-T. GRCh37 (hg19) VCF-style: chr6-56458699-C-T.
Other names: c.6131G>A, p.Gly2044Asp (NM_001144769.5); c.5717G>A, p.Gly1906Asp (NM_001144770.2); c.12488G>A, p.Gly4163Asp (NM_001374722.1); c.11855G>A, p.Gly3952Asp (NM_001374729.1); c.5597G>A, p.Gly1866Asp (NM_001374730.1, NM_183380.4); c.12515G>A, p.Gly4172Asp (NM_001374734.1); c.4619G>A, p.Gly1540Asp (NM_015548.5); short protein forms G1866D, G3952D, G4172D, G1540D, G1906D, G4163D, G2044D.
Identifiers: ClinVar variation 967471 (VCV000967471.13), dbSNP rs781152141, ClinGen allele CA3868443.

ClinVar aggregate classification (germline): Uncertain significance. Review status: criteria provided, multiple submitters, no conflicts (2 of 4 stars). 3 submissions from 3 submitters: Uncertain significance (3). Last evaluated 2023-07-27.

Conditions:
Hereditary sensory and autonomic neuropathy type 6. Also called: Neuropathy, hereditary sensory and autonomic, type VI; HSAN VI. Identifiers: Orphanet 314381, MedGen C3539003, MONDO:0013839, OMIM 614653.
Epidermolysis bullosa simplex 3, localized or generalized intermediate, with BP230 deficiency (EBS3). Also called: Epidermolysis bullosa simplex, autosomal recessive 2; Epidermolysis bullosa simplex due to BP230 deficiency. Identifiers: Orphanet 412181, MedGen C3809470, MONDO:0014180, OMIM 615425.
Inborn genetic diseases. Identifiers: MedGen C0950123, MeSH D030342.

Allele frequency attached by ClinVar (database versions not stated): gnomAD exomes 0.00001 and 0.00003; ExAC 0.00002; TOPMed 0.00003; gnomAD 0.00004.
gnomAD v4.1: 21 of 1,613,752 alleles (0.0013%); highest among the groups gnomAD compares: Non-Finnish European, 0.0018%; no homozygotes.

Submissions (3):

Ambry Genetics
Classification: Uncertain significance for Inborn genetic diseases. Last evaluated: 2023-07-27. Review status: criteria provided, single submitter. Criteria: Ambry Variant Classification Scheme 2023. Collection method: clinical testing. Allele origin: germline.

Labcorp Genetics (formerly Invitae), Labcorp
Classification: Uncertain significance for Epidermolysis bullosa simplex 3, localized or generalized intermediate, with BP230 deficiency; Hereditary sensory and autonomic neuropathy type 6. Last evaluated: 2022-06-15. Review status: criteria provided, single submitter. Criteria: Invitae Variant Classification Sherloc (09022015). Collection method: clinical testing. Allele origin: germline.
Comment: The DST gene has multiple clinically relevant transcripts. This variant occurs in alternate transcript NM_015548.4, and corresponds to NM_001723.5:c.*21616G>A in the primary transcript. This sequence change replaces glycine, which is neutral and non-polar, with aspartic acid, which is acidic and polar, at codon 1540 of the DST protein (p.Gly1540Asp). This variant is present in population databases (rs781152141, gnomAD 0.007%). This variant has not been reported in the literature in individuals affected with DST-related conditions. Experimental studies and prediction algorithms are not available or were not evaluated, and the functional significance of this variant is currently unknown. In summary, the available evidence is currently insufficient to determine the role of this variant in disease. Therefore, it has been classified as a Variant of Uncertain Significance.

Mayo Clinic Laboratories, Mayo Clinic
Classification: Uncertain significance. Last evaluated: 2019-06-03. Review status: criteria provided, single submitter. Criteria: ACMG Guidelines, 2015. Collection method: clinical testing. Allele origin: germline. Observed: 1 variant allele.